The following is an entry in ClinVar:

NM_001363711.2(DUOX2):c.4395+1G>C

Gene: DUOX2 (dual oxidase 2; minus strand). Cytogenetic location: 15q21.1.
Variant type: single nucleotide variant.
Coding change: c.4395+1G>C on transcript NM_001363711.2 (MANE Select); the canonical splice donor site of the intron after coding-DNA position 4395, G replaced by C.
Molecular consequence: splice donor variant.
Genome position (GRCh38, 1-based): chr15:45,094,935, C>G on the plus strand (G>C on the coding strand, the complement: DUOX2 is on the minus strand). VCF-style: chr15-45094935-C-G. GRCh37 (hg19) VCF-style: chr15-45387133-C-G.
Other names: c.4395+1G>C (NM_014080.5).
Identifiers: ClinVar variation 4845704 (VCV004845704.1).

ClinVar aggregate classification (germline): Likely pathogenic (1 of 4 stars; one submission).

Conditions:
Thyroid dyshormonogenesis 6 (TDH6). Also called: HYPOTHYROIDISM, CONGENITAL, DUE TO DYSHORMONOGENESIS, 6; THYROID HORMONOGENESIS, GENETIC DEFECT IN, 6; Genetic transient congenital hypothyroidism. Identifiers: Orphanet 226316, Orphanet 95716, MedGen C1846632, MONDO:0011792, OMIM 607200.

Submission:

First Genomix Gene Laboratory, Genetic Diagnostics Department
Classification: Likely pathogenic for Thyroid dyshormonogenesis 6. Last evaluated: 2025-01-17. Review status: criteria provided, single submitter. Criteria: ACMG Guidelines, 2015. Collection method: clinical testing. Allele origin: germline. Inheritance: Autosomal recessive inheritance. Affected: no. Observed: 1 variant allele.